The following is an entry in ClinVar:

NM_004055.5(CAPN5):c.1072C>T (p.Arg358Trp)

Gene: CAPN5 (calpain 5; plus strand). Cytogenetic location: 11q13.5.
Variant type: single nucleotide variant.
Coding change: c.1072C>T on transcript NM_004055.5 (MANE Select); coding-DNA position 1072, C replaced by T.
Protein change: p.Arg358Trp; replaces arginine 358 with tryptophan.
Molecular consequence: missense variant.
Genome position (GRCh38, 1-based): chr11:77,118,257, C>T. VCF-style: chr11-77118257-C-T. GRCh37 (hg19) VCF-style: chr11-76829303-C-T.
Other names: c.1072C>T (NM_004055.4); short protein forms R358W.
Identifiers: ClinVar variation 1448876 (VCV001448876.7), dbSNP rs141204411, ClinGen allele CA6196675.

ClinVar aggregate classification (germline): Uncertain significance. Review status: criteria provided, multiple submitters, no conflicts (2 of 4 stars). 2 submissions from 2 submitters: Uncertain significance (2). Last evaluated 2025-07-21.

Conditions:
Inborn genetic diseases. Identifiers: MedGen C0950123, MeSH D030342.

Allele frequency attached by ClinVar (database versions not stated): ESP Exome Variant Server 0.00008; 1000 Genomes Project 30x 0.00016.
gnomAD v4.1: 45 of 1,614,096 alleles (0.0028%); highest among the groups gnomAD compares: South Asian, 0.0066%; no homozygotes.

Submissions (2):

Labcorp Genetics (formerly Invitae), Labcorp
Classification: Uncertain significance. Last evaluated: 2025-07-21. Review status: criteria provided, single submitter. Criteria: Invitae Variant Classification Sherloc (09022015). Collection method: clinical testing. Allele origin: germline.
Comment: This sequence change replaces arginine, which is basic and polar, with tryptophan, which is neutral and slightly polar, at codon 358 of the CAPN5 protein (p.Arg358Trp). This variant is present in population databases (rs141204411, gnomAD 0.02%). This variant has not been reported in the literature in individuals affected with CAPN5-related conditions. ClinVar contains an entry for this variant (Variation ID: 1448876). Invitae Evidence Modeling of protein sequence and biophysical properties (such as structural, functional, and spatial information, amino acid conservation, physicochemical variation, residue mobility, and thermodynamic stability) indicates that this missense variant is not expected to disrupt CAPN5 protein function with a negative predictive value of 80%. In summary, the available evidence is currently insufficient to determine the role of this variant in disease. Therefore, it has been classified as a Variant of Uncertain Significance.

Ambry Genetics
Classification: Uncertain significance for Inborn genetic diseases. Last evaluated: 2022-07-06. Review status: criteria provided, single submitter. Criteria: Ambry Variant Classification Scheme 2023. Collection method: clinical testing. Allele origin: germline.